The following is an entry in ClinVar:

NM_002180.3(IGHMBP2):c.2375C>T (p.Ala792Val)

Gene: IGHMBP2 (immunoglobulin mu DNA binding protein 2; plus strand). Cytogenetic location: 11q13.3.
Variant type: single nucleotide variant.
Coding change: c.2375C>T on transcript NM_002180.3 (MANE Select); coding-DNA position 2375, C replaced by T.
Protein change: p.Ala792Val; replaces alanine 792 with valine.
Molecular consequence: missense variant.
Genome position (GRCh38, 1-based): chr11:68,936,855, C>T. VCF-style: chr11-68936855-C-T. GRCh37 (hg19) VCF-style: chr11-68704323-C-T.
Other names: short protein forms A792V.
Identifiers: ClinVar variation 1370504 (VCV001370504.5), dbSNP rs375300165, ClinGen allele CA6153899.

ClinVar aggregate classification (germline): Uncertain significance. Review status: criteria provided, multiple submitters, no conflicts (2 of 4 stars). 2 submissions from 2 submitters: Uncertain significance (2). Last evaluated 2021-10-08.

Conditions:
Charcot-Marie-Tooth disease axonal type 2S. Also called: CHARCOT-MARIE-TOOTH NEUROPATHY, TYPE 2S; CHARCOT-MARIE-TOOTH DISEASE, AXONAL, AUTOSOMAL RECESSIVE, TYPE 2S. Identifiers: Orphanet 443073, MedGen C4015349, MONDO:0014511, OMIM 616155.
Autosomal recessive distal spinal muscular atrophy 1. Also called: HMN VI; NEURONOPATHY, SEVERE INFANTILE AXONAL, WITH RESPIRATORY FAILURE; NEURONOPATHY, DISTAL HEREDITARY MOTOR, HARDING TYPE VI; NEUROPATHY, DISTAL HEREDITARY MOTOR, AUTOSOMAL RECESSIVE 1; SEVERE INFANTILE AXONAL NEUROPATHY WITH RESPIRATORY FAILURE; SPINAL MUSCULAR ATROPHY, DIAPHRAGMATIC. Identifiers: Orphanet 98920, MedGen C1858517, MONDO:0011436, OMIM 604320.
Inborn genetic diseases. Identifiers: MedGen C0950123, MeSH D030342.

Allele frequency attached by ClinVar (database versions not stated): gnomAD exomes 0.00001; ExAC 0.00002; gnomAD 0.00009 and 0.00010; TOPMed 0.00009; ESP Exome Variant Server 0.00023.
gnomAD v4.1: 25 of 1,612,930 alleles (0.0015%); highest among the groups gnomAD compares: African/African-American, 0.029%; no homozygotes.

Submissions (2):

Labcorp Genetics (formerly Invitae), Labcorp
Classification: Uncertain significance for Autosomal recessive distal spinal muscular atrophy 1; Charcot-Marie-Tooth disease axonal type 2S. Last evaluated: 2021-10-08. Review status: criteria provided, single submitter. Criteria: Invitae Variant Classification Sherloc (09022015). Collection method: clinical testing. Allele origin: germline.
Comment: This sequence change replaces alanine with valine at codon 792 of the IGHMBP2 protein (p.Ala792Val). The alanine residue is weakly conserved and there is a small physicochemical difference between alanine and valine. This variant is present in population databases (rs375300165, ExAC 0.02%). This variant has not been reported in the literature in individuals affected with IGHMBP2-related conditions. Advanced modeling of protein sequence and biophysical properties (such as structural, functional, and spatial information, amino acid conservation, physicochemical variation, residue mobility, and thermodynamic stability) performed at Invitae indicates that this missense variant is not expected to disrupt IGHMBP2 protein function. In summary, the available evidence is currently insufficient to determine the role of this variant in disease. Therefore, it has been classified as a Variant of Uncertain Significance.

Ambry Genetics
Classification: Uncertain significance for Inborn genetic diseases. Last evaluated: 2020-11-10. Review status: criteria provided, single submitter. Criteria: Ambry Variant Classification Scheme 2023. Collection method: clinical testing. Allele origin: germline.
Comment: The p.A792V variant (also known as c.2375C>T), located in coding exon 13 of the IGHMBP2 gene, results from a C to T substitution at nucleotide position 2375. The alanine at codon 792 is replaced by valine, an amino acid with similar properties. This amino acid position is well conserved in available vertebrate species. In addition, this alteration is predicted to be tolerated by in silico analysis. Since supporting evidence is limited at this time, the clinical significance of this alteration remains unclear.